The following is an entry in ClinVar:

ClinVar aggregate classification (germline): Uncertain significance (1 of 4 stars; one submission).

Conditions:
Duchenne muscular dystrophy (DMD). Also called: MUSCULAR DYSTROPHY, PSEUDOHYPERTROPHIC PROGRESSIVE, DUCHENNE TYPE; Duchenne Muscular Dystrophy (DMD). Identifiers: Orphanet 98896, MedGen C0013264, MONDO:0010679, OMIM 310200.

Submission:

Labcorp Genetics (formerly Invitae), Labcorp
Classification: Uncertain significance for Duchenne muscular dystrophy. Last evaluated: 2024-12-30. Review status: criteria provided, single submitter. Criteria: Invitae Variant Classification Sherloc (09022015). Collection method: clinical testing. Allele origin: germline.
Comment: This sequence change replaces glycine, which is neutral and non-polar, with tryptophan, which is neutral and slightly polar, at codon 1079 of the DMD protein (p.Gly1079Trp). This variant is not present in population databases (gnomAD no frequency). This variant has not been reported in the literature in individuals affected with DMD-related conditions. Invitae Evidence Modeling of protein sequence and biophysical properties (such as structural, functional, and spatial information, amino acid conservation, physicochemical variation, residue mobility, and thermodynamic stability) indicates that this missense variant is not expected to disrupt DMD protein function with a negative predictive value of 95%. In summary, the available evidence is currently insufficient to determine the role of this variant in disease. Therefore, it has been classified as a Variant of Uncertain Significance.

NM_004006.3(DMD):c.3235G>T (p.Gly1079Trp)

Gene: DMD (dystrophin; minus strand). Cytogenetic location: Xp21.1.
Variant type: single nucleotide variant.
Coding change: c.3235G>T on transcript NM_004006.3 (MANE Select); coding-DNA position 3235, G replaced by T.
Protein change: p.Gly1079Trp; replaces glycine 1079 with tryptophan.
Molecular consequence: missense variant.
Genome position (GRCh38, 1-based): chrX:32,464,627, C>A on the plus strand (G>T on the coding strand, the complement: DMD is on the minus strand). VCF-style: chrX-32464627-C-A. GRCh37 (hg19) VCF-style: chrX-32482744-C-A.
Other names: c.3211G>T, p.Gly1071Trp (NM_000109.4); c.3223G>T, p.Gly1075Trp (NM_004009.3); c.2866G>T, p.Gly956Trp (NM_004010.3); short protein forms G956W, G1071W, G1075W, G1079W.
Identifiers: ClinVar variation 3676125 (VCV003676125.2).